The following is an entry in ClinVar:

ClinVar aggregate classification (germline): Uncertain significance (1 of 4 stars; one submission).

gnomAD v4.1: 3 of 1,613,820 alleles (0.00019%); highest among the groups gnomAD compares: Admixed American, 0.0017%; no homozygotes.

Submission:

Labcorp Genetics (formerly Invitae), Labcorp
Classification: Uncertain significance. Last evaluated: 2024-12-16. Review status: criteria provided, single submitter. Criteria: Invitae Variant Classification Sherloc (09022015). Collection method: clinical testing. Allele origin: germline.
Comment: This sequence change replaces glycine, which is neutral and non-polar, with arginine, which is basic and polar, at codon 22 of the GPC6 protein (p.Gly22Arg). This variant is present in population databases (rs150023233, gnomAD 0.003%). This variant has not been reported in the literature in individuals affected with GPC6-related conditions. ClinVar contains an entry for this variant (Variation ID: 2175161). An algorithm developed to predict the effect of missense changes on protein structure and function outputs the following: PolyPhen-2: "Benign". The arginine amino acid residue is found in multiple mammalian species, which suggests that this missense change does not adversely affect protein function. In summary, the available evidence is currently insufficient to determine the role of this variant in disease. Therefore, it has been classified as a Variant of Uncertain Significance.

NM_005708.5(GPC6):c.64G>C (p.Gly22Arg)

Gene: GPC6 (glypican 6; plus strand). Cytogenetic location: 13q31.3.
Variant type: single nucleotide variant.
Coding change: c.64G>C on transcript NM_005708.5 (MANE Select); coding-DNA position 64, G replaced by C.
Protein change: p.Gly22Arg; replaces glycine 22 with arginine.
Molecular consequence: missense variant.
Genome position (GRCh38, 1-based): chr13:93,227,520, G>C. VCF-style: chr13-93227520-G-C. GRCh37 (hg19) VCF-style: chr13-93879773-G-C.
Other names: short protein forms G22R.
Identifiers: ClinVar variation 2175161 (VCV002175161.2), dbSNP rs150023233, ClinGen allele CA7016756.
Genomic context (GRCh38, chr13:93,227,520, plus strand): 5'-CCTTCTTGGATCGGGGCTGTGATTCTTCCCCTCTTGGGGCTGCTGCTCTCCCTCCCCGCC[G>C]GGGCGGATGTGAAGGCTCGGAGCTGCGGAGAGGTCCGCCAGGCGTACGGTGCCAAGGGAT-3'
Protein context (NP_005699.1, residues 12-32): LLGLLLSLPA[Gly22Arg]ADVKARSCGE